The following is an entry in ClinVar:

NM_030762.3(BHLHE41):c.550G>A (p.Val184Ile)

Genes: BHLHE41 (basic helix-loop-helix family member e41; minus strand), SSPN (sarcospan; plus strand). Cytogenetic location: 12p12.1.
Variant type: single nucleotide variant.
Coding change: c.550G>A on transcript NM_030762.3 (MANE Select); coding-DNA position 550, G replaced by A.
Protein change: p.Val184Ile; replaces valine 184 with isoleucine.
Molecular consequence: missense variant.
Genome position (GRCh38, 1-based): chr12:26,122,965, C>T on the plus strand (G>A on the coding strand, the complement: BHLHE41 is on the minus strand). VCF-style: chr12-26122965-C-T. GRCh37 (hg19) VCF-style: chr12-26275898-C-T.
Other names: short protein forms V184I.
Identifiers: ClinVar variation 2257146 (VCV002257146.4), dbSNP rs199919168, ClinGen allele CA6487687.

ClinVar aggregate classification (germline): Uncertain significance. Review status: criteria provided, single submitter (1 of 4 stars). 2 submissions from 2 submitters: Uncertain significance (1). 1 of the submissions does not count toward it. Last evaluated 2022-02-11.

Conditions:
BHLHE41-related disorder. Also called: BHLHE41-related condition.

Allele frequency attached by ClinVar (database versions not stated): 1000 Genomes Project 0.00040; 1000 Genomes Project 30x 0.00047; TOPMed 0.00083; gnomAD 0.00091; ESP Exome Variant Server 0.00109.
gnomAD v4.1: 1,949 of 1,561,184 alleles (0.12%); highest among the groups gnomAD compares: Non-Finnish European, 0.16%; 2 homozygotes.

Submissions (2):

Ambry Genetics
Classification: Uncertain significance. Last evaluated: 2022-02-11. Review status: criteria provided, single submitter. Criteria: Ambry Variant Classification Scheme 2023. Collection method: clinical testing. Allele origin: germline.

PreventionGenetics, part of Exact Sciences
Classification: Likely benign for BHLHE41-related condition. Last evaluated: 2023-03-25. Review status: no assertion criteria provided. Collection method: clinical testing. Allele origin: germline. Not counted in ClinVar's aggregate classification.
Comment: This variant is classified as likely benign based on ACMG/AMP sequence variant interpretation guidelines (Richards et al. 2015 PMID: 25741868, with internal and published modifications).